The following is an entry in ClinVar:

NM_001286577.2(C2CD3):c.1404G>T (p.Glu468Asp)

Gene: C2CD3 (C2 domain containing 3 centriole elongation regulator; minus strand). Cytogenetic location: 11q13.4.
Variant type: single nucleotide variant.
Coding change: c.1404G>T on transcript NM_001286577.2 (MANE Select); coding-DNA position 1404, G replaced by T.
Protein change: p.Glu468Asp; replaces glutamic acid 468 with aspartic acid.
Molecular consequence: missense variant.
Genome position (GRCh38, 1-based): chr11:74,118,344, C>A on the plus strand (G>T on the coding strand, the complement: C2CD3 is on the minus strand). VCF-style: chr11-74118344-C-A. GRCh37 (hg19) VCF-style: chr11-73829389-C-A.
Other names: c.1404G>T, p.Glu468Asp (NM_015531.6); short protein forms E468D.
Identifiers: ClinVar variation 1999704 (VCV001999704.4), dbSNP rs2496516105, ClinGen allele CA381838620.

ClinVar aggregate classification (germline): Uncertain significance (1 of 4 stars; one submission).

Submission:

Labcorp Genetics (formerly Invitae), Labcorp
Classification: Uncertain significance. Last evaluated: 2022-05-27. Review status: criteria provided, single submitter. Criteria: Invitae Variant Classification Sherloc (09022015). Collection method: clinical testing. Allele origin: germline.
Comment: This sequence change replaces glutamic acid, which is acidic and polar, with aspartic acid, which is acidic and polar, at codon 468 of the C2CD3 protein (p.Glu468Asp). This variant is not present in population databases (gnomAD no frequency). This variant has not been reported in the literature in individuals affected with C2CD3-related conditions. Algorithms developed to predict the effect of missense changes on protein structure and function output the following: SIFT: "Tolerated"; PolyPhen-2: "Benign"; Align-GVGD: "Class C0". The aspartic acid amino acid residue is found in multiple mammalian species, which suggests that this missense change does not adversely affect protein function. In summary, the available evidence is currently insufficient to determine the role of this variant in disease. Therefore, it has been classified as a Variant of Uncertain Significance.